The following is an entry in ClinVar:

ClinVar aggregate classification (germline): Likely benign (1 of 4 stars; one submission).

Submission:

CeGaT Center for Human Genetics Tuebingen
Classification: Likely benign. Last evaluated: 2023-08-01. Review status: criteria provided, single submitter. Criteria: CeGaT Center For Human Genetics Tuebingen Variant Classification Criteria Version 2. Collection method: clinical testing. Allele origin: germline. Affected: yes. Observed: 1 variant allele.
Comment: SLC12A3: PM2:Supporting, BP4, BP7

NM_001126108.2(SLC12A3):c.1569T>G (p.Ala523=)

Gene: SLC12A3 (solute carrier family 12 member 3; plus strand). Cytogenetic location: 16q13.
Variant type: single nucleotide variant.
Coding change: c.1569T>G on transcript NM_001126108.2 (MANE Select); coding-DNA position 1569, T replaced by G.
Protein change: p.Ala523=; no amino-acid change (alanine 523 retained).
Molecular consequence: synonymous variant.
Genome position (GRCh38, 1-based): chr16:56,882,397, T>G. VCF-style: chr16-56882397-T-G. GRCh37 (hg19) VCF-style: chr16-56916309-T-G.
Other names: c.1566T>G, p.Ala522= (NM_001410896.1, NM_001126107.2); c.1569T>G, p.Ala523= (NM_000339.3).
Identifiers: ClinVar variation 2646550 (VCV002646550.24), dbSNP rs2543511606, ClinGen allele CA495604027.